The following is an entry in ClinVar:

NM_003597.5(KLF11):c.1421G>A (p.Arg474Gln)

Gene: KLF11 (KLF transcription factor 11; plus strand). Cytogenetic location: 2p25.1.
Variant type: single nucleotide variant.
Coding change: c.1421G>A on transcript NM_003597.5 (MANE Select); coding-DNA position 1421, G replaced by A.
Protein change: p.Arg474Gln; replaces arginine 474 with glutamine.
Molecular consequence: missense variant.
Genome position (GRCh38, 1-based): chr2:10,052,389, G>A. VCF-style: chr2-10052389-G-A. GRCh37 (hg19) VCF-style: chr2-10192516-G-A.
Other names: c.1370G>A, p.Arg457Gln (NM_001177716.2, NM_001177718.2); short protein forms R457Q, R474Q.
Identifiers: ClinVar variation 2650668 (VCV002650668.27), dbSNP rs748510822, ClinGen allele CA1525780.

ClinVar aggregate classification (germline): Uncertain significance. Review status: criteria provided, multiple submitters, no conflicts (2 of 4 stars). 2 submissions from 2 submitters: Uncertain significance (2). Last evaluated 2023-11-06.

Allele frequency attached by ClinVar (database versions not stated): ExAC 0.00001; gnomAD exomes 0.00002.
gnomAD v4.1: 31 of 1,614,000 alleles (0.0019%); highest among the groups gnomAD compares: Non-Finnish European, 0.0019%; no homozygotes.

Submissions (2):

Labcorp Genetics (formerly Invitae), Labcorp
Classification: Uncertain significance. Last evaluated: 2023-11-06. Review status: criteria provided, single submitter. Criteria: Invitae Variant Classification Sherloc (09022015). Collection method: clinical testing. Allele origin: germline.
Comment: This sequence change replaces arginine, which is basic and polar, with glutamine, which is neutral and polar, at codon 474 of the KLF11 protein (p.Arg474Gln). This variant is present in population databases (rs748510822, gnomAD 0.003%). This variant has not been reported in the literature in individuals affected with KLF11-related conditions. An algorithm developed to predict the effect of missense changes on protein structure and function (PolyPhen-2) suggests that this variant is likely to be disruptive. In summary, the available evidence is currently insufficient to determine the role of this variant in disease. Therefore, it has been classified as a Variant of Uncertain Significance.

CeGaT Center for Human Genetics Tuebingen
Classification: Uncertain significance. Last evaluated: 2023-09-01. Review status: criteria provided, single submitter. Criteria: CeGaT Center For Human Genetics Tuebingen Variant Classification Criteria Version 2. Collection method: clinical testing. Allele origin: germline. Affected: yes. Observed: 1 variant allele.